The following is an entry in ClinVar:

ClinVar aggregate classification (germline): Uncertain significance. Review status: criteria provided, multiple submitters, no conflicts (2 of 4 stars). 2 submissions from 2 submitters: Uncertain significance (2). Last evaluated 2022-08-15.

Conditions:
Autosomal recessive osteopetrosis 1. Also called: ALBERS-SCHONBERG DISEASE, AUTOSOMAL RECESSIVE; TCIRG1-Related Osteopetrosis; TCIRG1-Related Autosomal Recessive Osteopetrosis. Identifiers: Orphanet 667, MedGen C1850127, MONDO:0009815, OMIM 259700.

Allele frequency attached by ClinVar (database versions not stated): gnomAD 0.00001; gnomAD exomes 0.00001; ExAC 0.00005; TOPMed 0.00005.

Submissions (2):

Labcorp Genetics (formerly Invitae), Labcorp
Classification: Uncertain significance. Last evaluated: 2022-08-15. Review status: criteria provided, single submitter. Criteria: Invitae Variant Classification Sherloc (09022015). Collection method: clinical testing. Allele origin: germline.
Comment: This sequence change replaces glutamine, which is neutral and polar, with lysine, which is basic and polar, at codon 249 of the TCIRG1 protein (p.Gln249Lys). The frequency data for this variant in the population databases is considered unreliable, as metrics indicate poor data quality at this position in the gnomAD database. This variant has not been reported in the literature in individuals affected with TCIRG1-related conditions. ClinVar contains an entry for this variant (Variation ID: 880806). Algorithms developed to predict the effect of missense changes on protein structure and function (SIFT, PolyPhen-2, Align-GVGD) all suggest that this variant is likely to be tolerated. Algorithms developed to predict the effect of sequence changes on RNA splicing suggest that this variant may disrupt the consensus splice site. In summary, the available evidence is currently insufficient to determine the role of this variant in disease. Therefore, it has been classified as a Variant of Uncertain Significance.

Illumina Laboratory Services, Illumina
Classification: Uncertain significance for Autosomal recessive osteopetrosis 1. Last evaluated: 2018-01-13. Review status: criteria provided, single submitter. Criteria: ICSL Variant Classification Criteria 13 December 2019. Collection method: clinical testing. Allele origin: germline.

NM_006019.4(TCIRG1):c.745C>A (p.Gln249Lys)

Gene: TCIRG1 (T cell immune regulator 1, ATPase H+ transporting V0 subunit a3; plus strand). Cytogenetic location: 11q13.2.
Variant type: single nucleotide variant.
Coding change: c.745C>A on transcript NM_006019.4 (MANE Select); coding-DNA position 745, C replaced by A.
Protein change: p.Gln249Lys; replaces glutamine 249 with lysine.
Molecular consequence: missense variant. On other transcripts: 5 prime UTR variant (1).
Genome position (GRCh38, 1-based): chr11:68,043,845, C>A. VCF-style: chr11-68043845-C-A. GRCh37 (hg19) VCF-style: chr11-67811312-C-A.
Other names: c.-150C>A (NM_001351059.2); c.97C>A, p.Gln33Lys (NM_006053.4); short protein forms Q249K, Q33K.
Identifiers: ClinVar variation 880806 (VCV000880806.8), dbSNP rs751988410, ClinGen allele CA6146806.
Genomic context (GRCh38, chr11:68,043,845, plus strand): 5'-GCCCCTCACGCAGCGCATCCTCCCTCCAGCTTCCACTGCCACGTCTTCCCGTTTCTGCAG[C>A]AGGAGGAGGCCCGCCTCGGGGCCCTGCAGCAGCTGCAACAGCAGAGCCAGGAGCTGCAGG-3'
Protein context (NP_006010.2, residues 239-259): FHCHVFPFLQ[Gln249Lys]EEARLGALQQ